The following is an entry in ClinVar:

ClinVar aggregate classification (germline): Conflicting classifications of pathogenicity. Review status: criteria provided, conflicting classifications (1 of 4 stars). 4 submissions from 4 submitters: Uncertain significance (1); Benign (1); Likely benign (2). Last evaluated 2026-04-01.

Conditions:
Microphthalmia, syndromic 9. Also called: Matthew-Wood syndrome; PULMONARY AGENESIS, MICROPHTHALMIA, AND DIAPHRAGMATIC DEFECT; SPEAR SYNDROME; ANOPHTHALMIA, CLINICAL, WITH MILD FACIAL DYSMORPHISM AND VARIABLE MALFORMATIONS OF THE LUNG, HEART, AND DIAPHRAGM; ANOPHTHALMIA/MICROPHTHALMIA AND PULMONARY HYPOPLASIA. Identifiers: Orphanet 2470, MedGen C1832661, MONDO:0011010, OMIM 601186.

Allele frequency attached by ClinVar (database versions not stated): 1000 Genomes Project 0.00200; gnomAD exomes 0.00200 and 0.00308; gnomAD 0.00205 and 0.00206; ExAC 0.00214; ESP Exome Variant Server 0.00216; TOPMed 0.00223; 1000 Genomes Project 30x 0.00265.
gnomAD v4.1: 4,845 of 1,612,716 alleles (0.3%); highest among the groups gnomAD compares: Non-Finnish European, 0.36%; 8 homozygotes.

Submissions (4):

CeGaT Center for Human Genetics Tuebingen
Classification: Likely benign. Last evaluated: 2026-04-01. Review status: criteria provided, single submitter. Criteria: CeGaT Center For Human Genetics Tuebingen Variant Classification Criteria Version 2. Collection method: clinical testing. Allele origin: germline. Affected: yes. Observed: 2 variant alleles.
Comment: STRA6: BP4, BP7

Labcorp Genetics (formerly Invitae), Labcorp
Classification: Benign for Microphthalmia, syndromic 9. Last evaluated: 2026-01-09. Review status: criteria provided, single submitter. Criteria: Invitae Variant Classification Sherloc (09022015). Collection method: clinical testing. Allele origin: germline.

Blueprint Genetics
Classification: Likely benign. Last evaluated: 2024-11-25. Review status: criteria provided, single submitter. Criteria: ACMG Guidelines, 2015. Collection method: clinical testing. Allele origin: germline.

Illumina Laboratory Services, Illumina
Classification: Uncertain significance for Microphthalmia, syndromic 9. Last evaluated: 2018-01-12. Review status: criteria provided, single submitter. Criteria: ICSL Variant Classification Criteria 13 December 2019. Collection method: clinical testing. Allele origin: germline.

NM_022369.4(STRA6):c.993G>A (p.Thr331=)

Gene: STRA6 (signaling receptor and transporter of retinol STRA6; minus strand). Cytogenetic location: 15q24.1.
Variant type: single nucleotide variant.
Coding change: c.993G>A on transcript NM_022369.4 (MANE Select); coding-DNA position 993, G replaced by A.
Protein change: p.Thr331=; no amino-acid change (threonine 331 retained).
Molecular consequence: synonymous variant.
Genome position (GRCh38, 1-based): chr15:74,189,212, C>T on the plus strand (G>A on the coding strand, the complement: STRA6 is on the minus strand). VCF-style: chr15-74189212-C-T. GRCh37 (hg19) VCF-style: chr15-74481553-C-T.
Other names: c.993G>A, p.Thr331= (NM_001142617.2, NM_001142618.2); c.966G>A, p.Thr322= (NM_001142619.2); c.1104G>A, p.Thr368= (NM_001199040.2); c.1038G>A, p.Thr346= (NM_001199041.2); c.1110G>A, p.Thr370= (NM_001199042.2).
Identifiers: ClinVar variation 317107 (VCV000317107.49), dbSNP rs116753967, ClinGen allele CA7654729.